The following is an entry in ClinVar:

NM_000090.4(COL3A1):c.1234G>T (p.Ala412Ser)

Gene: COL3A1 (collagen type III alpha 1 chain; plus strand). Cytogenetic location: 2q32.2.
Variant type: single nucleotide variant.
Coding change: c.1234G>T on transcript NM_000090.4 (MANE Select); coding-DNA position 1234, G replaced by T.
Protein change: p.Ala412Ser; replaces alanine 412 with serine.
Molecular consequence: missense variant.
Genome position (GRCh38, 1-based): chr2:188,994,273, G>T. VCF-style: chr2-188994273-G-T. GRCh37 (hg19) VCF-style: chr2-189858999-G-T.
Other names: p.A412S:GCC>TCC; p.Ala412Ser; short protein forms A412S.
Identifiers: ClinVar variation 199693 (VCV000199693.10), dbSNP rs768314657, ClinGen allele CA004150.

ClinVar aggregate classification (germline): Conflicting classifications of pathogenicity. Review status: criteria provided, conflicting classifications (1 of 4 stars). 4 submissions from 4 submitters: Uncertain significance (3); Likely benign (1). Last evaluated 2025-08-06.

Conditions:
Familial thoracic aortic aneurysm and aortic dissection (TAAD). Also called: Thoracic aortic aneurysms and dissections. Identifiers: Orphanet 91387, MedGen C4707243, MONDO:0019625.
Ehlers-Danlos syndrome, type 4 (EDSVASC). Also called: Ehlers-Danlos syndrome vascular type; Ehlers Danlos syndrome, ecchymotic type; Ehlers Danlos syndrome, arterial type; Ehlers Danlos syndrome, Sack-Barabas type; Ehlers-Danlos Syndrome Type IV. Identifiers: Orphanet 286, MedGen C0268338, MONDO:0017314, OMIM 130050.

Allele frequency attached by ClinVar (database versions not stated): TOPMed below 0.00001; gnomAD 0.00002; gnomAD exomes 0.00003; ExAC 0.00006.
gnomAD v4.1: 12 of 1,613,836 alleles (0.00074%); highest among the groups gnomAD compares: African/African-American, 0.0027%; no homozygotes.

Submissions (4):

Mayo Clinic Laboratories, Mayo Clinic
Classification: Uncertain significance. Last evaluated: 2025-08-06. Review status: criteria provided, single submitter. Criteria: ACMG Guidelines, 2015. Collection method: clinical testing. Allele origin: germline. Observed: 1 variant allele.
Comment: BP4

Color Diagnostics, LLC DBA Color Health
Classification: Uncertain significance for Familial thoracic aortic aneurysm and aortic dissection. Last evaluated: 2025-07-28. Review status: criteria provided, single submitter. Criteria: ACMG Guidelines, 2015. Collection method: clinical testing. Allele origin: germline.
Comment: This missense variant replaces alanine with serine at codon 412 of the COL3A1 protein. Computational prediction suggests that this variant may not impact protein structure and function. To our knowledge, functional studies have not been reported for this variant. This variant has not been reported in individuals affected with COL3A1-related disorders in the literature. This variant has been identified in 7/251106 chromosomes in the general population by the Genome Aggregation Database (gnomAD). The available evidence is insufficient to determine the role of this variant in disease conclusively. Therefore, this variant is classified as a Variant of Uncertain Significance.

Labcorp Genetics (formerly Invitae), Labcorp
Classification: Uncertain significance for Ehlers-Danlos syndrome, type 4. Last evaluated: 2021-09-01. Review status: criteria provided, single submitter. Criteria: Invitae Variant Classification Sherloc (09022015). Collection method: clinical testing. Allele origin: germline.
Comment: This sequence change replaces alanine with serine at codon 412 of the COL3A1 protein (p.Ala412Ser). The alanine residue is moderately conserved and there is a moderate physicochemical difference between alanine and serine. This variant is present in population databases (rs768314657, ExAC 0.01%). This variant has not been reported in the literature in individuals affected with COL3A1-related conditions. ClinVar contains an entry for this variant (Variation ID: 199693). Algorithms developed to predict the effect of missense changes on protein structure and function are either unavailable or do not agree on the potential impact of this missense change (SIFT: "Tolerated"; PolyPhen-2: "Not Available"; Align-GVGD: "Class C0"). In summary, the available evidence is currently insufficient to determine the role of this variant in disease. Therefore, it has been classified as a Variant of Uncertain Significance.

GeneDx
Classification: Likely benign. Last evaluated: 2013-02-21. Review status: criteria provided, single submitter. Criteria: GeneDx Variant Classification (06012015). Collection method: clinical testing. Allele origin: germline. Affected: yes.
Comment: This variant is considered likely benign or benign based on one or more of the following criteria: it is a conservative change, it occurs at a poorly conserved position in the protein, it is predicted to be benign by multiple in silico algorithms, and/or has population frequency not consistent with disease.